The following is an entry in ClinVar:

NM_000064.4(C3):c.4631-2A>G

Gene: C3 (complement C3; minus strand). Cytogenetic location: 19p13.3.
Variant type: single nucleotide variant.
Coding change: c.4631-2A>G on transcript NM_000064.4 (MANE Select); the canonical splice acceptor site of the intron before coding-DNA position 4631, A replaced by G.
Molecular consequence: splice acceptor variant.
Genome position (GRCh38, 1-based): chr19:6,678,457, T>C on the plus strand (A>G on the coding strand, the complement: C3 is on the minus strand). VCF-style: chr19-6678457-T-C. GRCh37 (hg19) VCF-style: chr19-6678468-T-C.
Other names: C3, IVS38AS, A-G; IVS38AS, A-G.
Identifiers: ClinVar variation 17064 (VCV000017064.2), dbSNP rs111595742, ClinGen allele CA403611881.
Genomic context (GRCh38, chr19:6,678,457, plus strand): 5'-CATGATGTACTCGTCAAAGTCATTGGACAGCTGAACCTTGACCAGTCGGGTCTTGTACAC[T>C]GTGGGGGAGAGGCAGACAGTTTGGGTGGTGGGCTAGGTTGACCATGAGGGGCACCCTGGT-3'

ClinVar aggregate classification (germline): Likely pathogenic. Review status: criteria provided, single submitter (1 of 4 stars). 2 submissions from 2 submitters: Likely pathogenic (1). 1 of the submissions does not count toward it. Last evaluated 2025-09-30.

Conditions:
Complement component 3 deficiency. Identifiers: Orphanet 280133, MedGen C3151071, MONDO:0013417, OMIM 613779.
C3 DEFICIENCY. Identifiers: MedGen C1332655.

Submissions (2):

Genomenon, Inc
Classification: Likely pathogenic for Complement component 3 deficiency. Last evaluated: 2025-09-30. Review status: criteria provided, single submitter. Criteria: Genomenon Sequence Variant Interpretation Standards. Collection method: curation. Allele origin: germline. Affected: yes.
Comment: C3 c.4631-2A>G is a canonical splice variant located in the acceptor splice region of intron 38. This variant has been observed in at least one proband affected with C3 deficiency (PMID:15781264). At least one splicing study identified that this variant results in aberrant splicing (PMID:15781264). At least one functional study has demonstrated a substantial alteration in protein function relative to the wild-type (PMID:15781264). It is absent or not present at a significant frequency in gnomAD. In conclusion, we classify C3 c.4631-2A>G as a likely pathogenic variant.

OMIM
Classification: Pathogenic for C3 DEFICIENCY. Last evaluated: 2005-04-29. Review status: no assertion criteria provided. Collection method: literature only. Allele origin: germline. Not counted in ClinVar's aggregate classification.

Literature cited by the submitters: PubMed 15781264 (cited by Genomenon, Inc and OMIM).